The following is an entry in ClinVar:

ClinVar aggregate classification (germline): Uncertain significance (1 of 4 stars; one submission).

Conditions:
GRN-related frontotemporal lobar degeneration with Tdp43 inclusions (FTD2). Also called: GRN Frontotemporal Dementia; FRONTOTEMPORAL DEMENTIA WITH TDP43 INCLUSIONS, GRN-RELATED; DEMENTIA, HEREDITARY DYSPHASIC DISINHIBITION; FRONTOTEMPORAL LOBAR DEGENERATION WITH UBIQUITIN-POSITIVE INCLUSIONS; FTLD-TDP, GRN-RELATED. Identifiers: Orphanet 100070, Orphanet 282, MedGen C1843792, MONDO:0011842, OMIM 607485. Disease mechanism: loss of function.
Neuronal ceroid lipofuscinosis 11. Also called: GRN-Related Neuronal Ceroid-Lipofuscinosis. Identifiers: Orphanet 314629, Orphanet 79262, MedGen C3539123, MONDO:0013866, OMIM 614706.

Allele frequency attached by ClinVar (database versions not stated): gnomAD exomes below 0.00001; ExAC 0.00001; TOPMed 0.00001.

Submission:

Labcorp Genetics (formerly Invitae), Labcorp
Classification: Uncertain significance for Neuronal ceroid lipofuscinosis 11; GRN-related frontotemporal lobar degeneration with Tdp43 inclusions. Last evaluated: 2024-04-25. Review status: criteria provided, single submitter. Criteria: Invitae Variant Classification Sherloc (09022015). Collection method: clinical testing. Allele origin: germline.
Comment: This sequence change replaces proline, which is neutral and non-polar, with leucine, which is neutral and non-polar, at codon 50 of the GRN protein (p.Pro50Leu). This variant is present in population databases (rs755224109, gnomAD 0.006%). This variant has not been reported in the literature in individuals affected with GRN-related conditions. Algorithms developed to predict the effect of missense changes on protein structure and function output the following: SIFT: "Not Available"; PolyPhen-2: "Benign"; Align-GVGD: "Not Available". The leucine amino acid residue is found in multiple mammalian species, which suggests that this missense change does not adversely affect protein function. In summary, the available evidence is currently insufficient to determine the role of this variant in disease. Therefore, it has been classified as a Variant of Uncertain Significance.

NM_002087.4(GRN):c.149C>T (p.Pro50Leu)

Gene: GRN (granulin precursor; plus strand). Cytogenetic location: 17q21.31.
Variant type: single nucleotide variant.
Coding change: c.149C>T on transcript NM_002087.4 (MANE Select); coding-DNA position 149, C replaced by T.
Protein change: p.Pro50Leu; replaces proline 50 with leucine.
Molecular consequence: missense variant.
Genome position (GRCh38, 1-based): chr17:44,349,436, C>T. VCF-style: chr17-44349436-C-T. GRCh37 (hg19) VCF-style: chr17-42426804-C-T.
Other names: short protein forms P50L.
Identifiers: ClinVar variation 2927804 (VCV002927804.3), dbSNP rs755224109, ClinGen allele CA8601778.